The following is an entry in ClinVar:

NM_004168.4(SDHA):c.480T>G (p.Phe160Leu)

Gene: SDHA (succinate dehydrogenase complex flavoprotein subunit A; plus strand). Cytogenetic location: 5p15.33.
Variant type: single nucleotide variant.
Coding change: c.480T>G on transcript NM_004168.4 (MANE Select); coding-DNA position 480, T replaced by G.
Protein change: p.Phe160Leu; replaces phenylalanine 160 with leucine.
Molecular consequence: missense variant.
Genome position (GRCh38, 1-based): chr5:225,906, T>G. VCF-style: chr5-225906-T-G. GRCh37 (hg19) VCF-style: chr5-226021-T-G.
Other names: c.336T>G, p.Phe112Leu (NM_001294332.2); c.480T>G, p.Phe160Leu (NM_001330758.2); short protein forms F160L, F112L.
Identifiers: ClinVar variation 412358 (VCV000412358.21), dbSNP rs1060503711, ClinGen allele CA16611826.

ClinVar aggregate classification (germline): Conflicting classifications of pathogenicity. Review status: criteria provided, conflicting classifications (1 of 4 stars). 6 submissions from 6 submitters: Likely pathogenic (1); Uncertain significance (4). 1 of the submissions does not count toward it. Last evaluated 2026-03-17.

Conditions:
Hereditary cancer-predisposing syndrome. Also called: Neoplastic Syndromes, Hereditary; Hereditary Cancer Syndrome; Tumor predisposition; Hereditary neoplastic syndrome. Identifiers: Orphanet 140162, MedGen C0027672, MeSH D009386, MONDO:0015356.
Mitochondrial complex II deficiency, nuclear type 1. Also called: SUCCINATE CoQ REDUCTASE DEFICIENCY. Identifiers: Orphanet 3208, MedGen C5700310, MONDO:0100294, OMIM 252011.
Pheochromocytoma/paraganglioma syndrome 5. Also called: SDHA-Related Hereditary Paraganglioma-Pheochromocytoma Syndrome; Paragangliomas 5. Identifiers: Orphanet 29072, MedGen C3279992, MONDO:0013602, OMIM 614165.
Dilated cardiomyopathy 1GG (CMD1GG). Identifiers: Orphanet 154, MedGen C3150898, MONDO:0013339, OMIM 613642.

Allele frequency attached by ClinVar (database versions not stated): TOPMed 0.00001.
gnomAD v4.1: 21 of 1,613,154 alleles (0.0013%); highest among the groups gnomAD compares: Non-Finnish European, 0.0018%; no homozygotes.

Submissions (6):

Ambry Genetics
Classification: Uncertain significance for Hereditary cancer-predisposing syndrome. Last evaluated: 2026-03-17. Review status: criteria provided, single submitter. Criteria: Ambry Variant Classification Scheme 2023. Collection method: clinical testing. Allele origin: germline.
Comment: The p.F160L variant (also known as c.480T>G), located in coding exon 5 of the SDHA gene, results from a T to G substitution at nucleotide position 480. The phenylalanine at codon 160 is replaced by leucine, an amino acid with highly similar properties. This alteration has been reported in conjunction with SDHA c.1795-1G>T in an infant with mitochondrial II complex deficiency (Owen MJ et al. JAMA Netw Open, 2023 Feb;6:e2254069). This amino acid position is highly conserved in available vertebrate species. In addition, this alteration is predicted to be deleterious by in silico analysis. Since supporting evidence is limited at this time, the clinical significance of this alteration remains unclear.

Labcorp Genetics (formerly Invitae), Labcorp
Classification: Uncertain significance for Pheochromocytoma/paraganglioma syndrome 5; Mitochondrial complex II deficiency, nuclear type 1. Last evaluated: 2026-01-19. Review status: criteria provided, single submitter. Criteria: Invitae Variant Classification Sherloc (09022015). Collection method: clinical testing. Allele origin: germline.
Comment: This sequence change replaces phenylalanine, which is neutral and non-polar, with leucine, which is neutral and non-polar, at codon 160 of the SDHA protein (p.Phe160Leu). This variant is not present in population databases (gnomAD no frequency). This missense change has been observed in individual(s) with mitochondrial complex Ii deficiency (PMID: 34645491). ClinVar contains an entry for this variant (Variation ID: 412358). Invitae Evidence Modeling of protein sequence and biophysical properties (such as structural, functional, and spatial information, amino acid conservation, physicochemical variation, residue mobility, and thermodynamic stability) has been performed for this missense variant. However, the output from this modeling did not meet the statistical confidence thresholds required to predict the impact of this variant on SDHA protein function. In summary, the available evidence is currently insufficient to determine the role of this variant in disease. Therefore, it has been classified as a Variant of Uncertain Significance.

Baylor Genetics
Classification: Uncertain significance for Dilated cardiomyopathy 1GG. Last evaluated: 2023-07-21. Review status: criteria provided, single submitter. Criteria: ACMG Guidelines, 2015. Collection method: clinical testing. Allele origin: unknown.

Myriad Genetics, Inc.
Classification: Uncertain significance for Pheochromocytoma/paraganglioma syndrome 5. Last evaluated: 2023-04-21. Review status: criteria provided, single submitter. Criteria: Myriad Autosomal Dominant, Autosomal Recessive and X-Linked Classification Criteria (2023). Collection method: clinical testing. Allele origin: unknown.
Comment: This variant is classified as a variant of uncertain significance as there is insufficient evidence to determine its impact on protein function and/or cancer risk.

Rady Children's Institute for Genomic Medicine, Rady Children's Hospital San Diego
Classification: Likely pathogenic for MITOCHONDRIAL COMPLEX II DEFICIENCY. Last evaluated: 2017-09-21. Review status: criteria provided, single submitter. Criteria: ACMG Guidelines, 2015. Collection method: clinical testing. Allele origin: germline. Affected: yes. Observed: 1 variant allele.
Comment: This variant has not previously been reported in public databases, and is thus presumed to be rare. The p.Phe160 residue is highly conserved among eukaryotes and in silico models predict a damaging effect of the leucine substitution on protein function. The SDHA protein is missense variant intolerant according to data in the ExAC database. The p.Phe160Leu has not previously been described in ClinVar or functionally characterized. For these reasons the variant is classified as Likely Pathogenic.

Counsyl
Classification: Uncertain significance for Pheochromocytoma/paraganglioma syndrome 5. Last evaluated: 2017-07-20. Review status: no assertion criteria provided. Collection method: clinical testing. Allele origin: unknown. Not counted in ClinVar's aggregate classification.

Literature cited by the submitters: PubMed 36757698 (cited by Ambry Genetics); PubMed 34645491 (cited by Labcorp Genetics (formerly Invitae), Labcorp).